The following is an entry in ClinVar:

NM_001355436.2(SPTB):c.1517T>C (p.Ile506Thr)

Gene: SPTB (spectrin beta, erythrocytic; minus strand). Cytogenetic location: 14q23.3.
Variant type: single nucleotide variant.
Coding change: c.1517T>C on transcript NM_001355436.2 (MANE Select); coding-DNA position 1517, T replaced by C.
Protein change: p.Ile506Thr; replaces isoleucine 506 with threonine.
Molecular consequence: missense variant.
Genome position (GRCh38, 1-based): chr14:64,795,464, A>G on the plus strand (T>C on the coding strand, the complement: SPTB is on the minus strand). VCF-style: chr14-64795464-A-G. GRCh37 (hg19) VCF-style: chr14-65262182-A-G.
Other names: c.1517T>C, p.Ile506Thr (NM_001024858.4, NM_001355437.2); short protein forms I506T.
Identifiers: ClinVar variation 3350863 (VCV003350863.1).
Genomic context (GRCh38, chr14:64,795,464, plus strand): 5'-GTCTCGAGCCTCTGGCGCCGGGACTGCAGCAGCTCCTGCAGGTAGCTCCATAGGCGCAGT[A>G]TATTGTCCTTGCGGGCCGTGATGCGCTTCTGGTCATGGTAGTTCTCTTTCTCCAGCTCCT-3'
Protein context (NP_001342365.1, residues 496-516): QKRITARKDN[Ile506Thr]LRLWSYLQEL

ClinVar aggregate classification (germline): Uncertain significance (0 of 4 stars; one submission).

Conditions:
SPTB-related disorder. Also called: SPTB-related condition; SPTB-Related Disorders.

gnomAD v4.1: 7 of 1,614,026 alleles (0.00043%); highest among the groups gnomAD compares: Non-Finnish European, 0.00051%; no homozygotes.

Submission:

PreventionGenetics, part of Exact Sciences
Classification: Uncertain significance for SPTB-related condition. Last evaluated: 2024-06-20. Review status: no assertion criteria provided. Collection method: clinical testing. Allele origin: germline.
Comment: The SPTB c.1517T>C variant is predicted to result in the amino acid substitution p.Ile506Thr. To our knowledge, this variant has not been reported in the literature. This variant is reported in 0.0018% of alleles in individuals of European (Non-Finnish) descent in gnomAD. At this time, the clinical significance of this variant is uncertain due to the absence of conclusive functional and genetic evidence.